The following is an entry in ClinVar:

NM_000384.3(APOB):c.9242G>C (p.Ser3081Thr)

Gene: APOB (apolipoprotein B; minus strand). Cytogenetic location: 2p24.1.
Variant type: single nucleotide variant.
Coding change: c.9242G>C on transcript NM_000384.3 (MANE Select); coding-DNA position 9242, G replaced by C.
Protein change: p.Ser3081Thr; replaces serine 3081 with threonine.
Molecular consequence: missense variant.
Genome position (GRCh38, 1-based): chr2:21,007,626, C>G on the plus strand (G>C on the coding strand, the complement: APOB is on the minus strand). VCF-style: chr2-21007626-C-G. GRCh37 (hg19) VCF-style: chr2-21230498-C-G.
Other names: short protein forms S3081T.
Identifiers: ClinVar variation 453020 (VCV000453020.25), dbSNP rs72653100, ClinGen allele CA066401.

ClinVar aggregate classification (germline): Conflicting classifications of pathogenicity. Review status: criteria provided, conflicting classifications (1 of 4 stars). 6 submissions from 6 submitters: Uncertain significance (2); Likely benign (3). 1 of the submissions does not count toward it. Last evaluated 2025-09-03.

Conditions:
Cardiovascular phenotype. Identifiers: MedGen CN230736.
Hypercholesterolemia, autosomal dominant, type B (FHCL2). Also called: HYPERCHOLESTEROLEMIA, FAMILIAL, DUE TO LIGAND-DEFECTIVE APOLIPOPROTEIN B; Familial Hypercholesterolemia Type B; APOLIPOPROTEIN B-100, FAMILIAL DEFECTIVE; APOLIPOPROTEIN B-100, FAMILIAL LIGAND-DEFECTIVE; Familial hypercholesterolemia 2; APOB-Related Familial Hypercholesterolemia, Autosomal Dominant. Identifiers: MedGen C1704417, MONDO:0007751, OMIM 144010.
Familial hypobetalipoproteinemia 1. Also called: APOB-Related Familial Hypobetalipoproteinemia; Hypobetalipoproteinemia, normotriglyceridemic; Acanthocytosis with hypobetalipoproteinemia. Identifiers: MedGen C4551990, MONDO:0014252, OMIM 615558.
APOB-related disorder. Also called: APOB-related condition; APOB-related disorders.

Allele frequency attached by ClinVar (database versions not stated): TOPMed 0.00034; 1000 Genomes Project 30x 0.00125; 1000 Genomes Project 0.00140.
gnomAD v4.1: 98 of 1,614,060 alleles (0.0061%); highest among the groups gnomAD compares: African/African-American, 0.11%; no homozygotes.

Submissions (6):

Labcorp Genetics (formerly Invitae), Labcorp
Classification: Likely benign for Familial hypobetalipoproteinemia 1; Hypercholesterolemia, autosomal dominant, type B. Last evaluated: 2025-09-03. Review status: criteria provided, single submitter. Criteria: Invitae Variant Classification Sherloc (09022015). Collection method: clinical testing. Allele origin: germline.

Molecular Diagnostic Laboratory for Inherited Cardiovascular Disease, Montreal Heart Institute
Classification: Likely benign. Last evaluated: 2025-04-09. Review status: criteria provided, single submitter. Criteria: ACMG Guidelines, 2015. Collection method: clinical testing. Allele origin: germline. Affected: no.

Ambry Genetics
Classification: Likely benign for Cardiovascular phenotype. Last evaluated: 2025-03-19. Review status: criteria provided, single submitter. Criteria: Ambry Variant Classification Scheme 2023. Collection method: clinical testing. Allele origin: germline.

GeneDx
Classification: Uncertain significance. Last evaluated: 2024-12-31. Review status: criteria provided, single submitter. Criteria: GeneDx Variant Classification Process June 2021. Collection method: clinical testing. Allele origin: germline. Affected: yes.
Comment: In silico analysis indicates that this missense variant does not alter protein structure/function; Also known as S3054T; Identified in one carrier with a clinical indication of familial hypercholesterolemia in published literature (PMID: 29572815); This variant is associated with the following publications: (PMID: 30755224, 29572815, 30076208)

ARUP Laboratories, Molecular Genetics and Genomics, ARUP Laboratories
Classification: Uncertain significance. Last evaluated: 2024-11-19. Review status: criteria provided, single submitter. Criteria: ARUP Molecular Germline Variant Investigation Process 2024. Collection method: clinical testing. Allele origin: germline.
Comment: The APOB c.9242G>C; p.Ser3081Thr variant (rs72653100, ClinVar Variation ID: 453020) is reported in the literature in an individual affected with familial hypercholesterolemia (Marmontel 2018). This variant is found in the African population with an overall allele frequency of 0.12% (29/24,934 alleles) in the Genome Aggregation Database (v2.1.1). Computational analyses predict that this variant is neutral (REVEL: 0.036). While the high population frequency suggests that this is likely a benign variant, given the lack of clinical and functional data, the significance of this variant is uncertain at this time. References: Marmontel O et al. Single, short in-del, and copy number variations detection in monogenic dyslipidemia using a next-generation sequencing strategy. Clin Genet. 2018 Jul;94(1):132-140. PMID: 29572815.

PreventionGenetics, part of Exact Sciences
Classification: Uncertain significance for APOB-related condition. Last evaluated: 2024-02-21. Review status: no assertion criteria provided. Collection method: clinical testing. Allele origin: germline. Not counted in ClinVar's aggregate classification.
Comment: The APOB c.9242G>C variant is predicted to result in the amino acid substitution p.Ser3081Thr. This variant has been reported in a cohort study of dyslipidemia (Marmontel et al. 2018. PubMed ID: 29572815). This variant is reported in 0.12% of alleles in individuals of African descent in gnomAD. At this time, the clinical significance of this variant is uncertain due to the absence of conclusive functional and genetic evidence.